The following is an entry in ClinVar:

ClinVar aggregate classification (germline): Conflicting classifications of pathogenicity. Review status: criteria provided, conflicting classifications (1 of 4 stars). 12 submissions from 12 submitters: Uncertain significance (1); Benign (2); Likely benign (6). 3 of the submissions do not count toward it. Last evaluated 2026-02-09.

Conditions:
RAI1-related disorder. Also called: RAI1-related condition.
Inborn genetic diseases. Identifiers: MedGen C0950123, MeSH D030342.

Allele frequency attached by ClinVar (database versions not stated): ESP Exome Variant Server 0.00015; ExAC 0.00017; gnomAD exomes 0.00027 and 0.00060; TOPMed 0.00032; gnomAD 0.00038 and 0.00041.
gnomAD v4.1: 920 of 1,613,338 alleles (0.057%); highest among the groups gnomAD compares: Non-Finnish European, 0.074%; no homozygotes.

Submissions (12):

PreventionGenetics, part of Exact Sciences
Classification: Likely benign for RAI1-related condition. Last evaluated: 2026-02-09. Review status: criteria provided, single submitter. Criteria: ACMG Guidelines, 2015. Collection method: clinical testing. Allele origin: germline.
Comment: This variant is classified as likely benign based on ACMG/AMP sequence variant interpretation guidelines (Richards et al. 2015 PMID: 25741868, with internal and published modifications).

Labcorp Genetics (formerly Invitae), Labcorp
Classification: Likely benign. Last evaluated: 2025-12-13. Review status: criteria provided, single submitter. Criteria: Invitae Variant Classification Sherloc (09022015). Collection method: clinical testing. Allele origin: germline.

CeGaT Center for Human Genetics Tuebingen
Classification: Likely benign. Last evaluated: 2025-09-01. Review status: criteria provided, single submitter. Criteria: CeGaT Center For Human Genetics Tuebingen Variant Classification Criteria Version 2. Collection method: clinical testing. Allele origin: germline. Affected: yes. Observed: 2 variant alleles.
Comment: RAI1: BP4, BP7

Blueprint Genetics
Classification: Likely benign. Last evaluated: 2023-09-13. Review status: criteria provided, single submitter. Criteria: ACMG Guidelines, 2015. Collection method: clinical testing. Allele origin: germline.

Athena Diagnostics
Classification: Benign. Last evaluated: 2021-01-21. Review status: criteria provided, single submitter. Criteria: Athena Diagnostics criteria. Collection method: clinical testing. Allele origin: unknown.

GeneDx
Classification: Benign. Last evaluated: 2019-09-26. Review status: criteria provided, single submitter. Criteria: GeneDx Variant Classification Process June 2021. Collection method: clinical testing. Allele origin: germline. Affected: yes.

Ambry Genetics
Classification: Likely benign for Inborn genetic diseases. Last evaluated: 2017-01-26. Review status: criteria provided, single submitter. Criteria: Ambry Variant Classification Scheme 2023. Collection method: clinical testing. Allele origin: germline.

Genetic Services Laboratory, University of Chicago
Classification: Likely benign. Last evaluated: 2015-11-17. Review status: criteria provided, single submitter. Criteria: ACMG Guidelines, 2015. Collection method: clinical testing. Allele origin: germline. Affected: no.

Eurofins Ntd Llc (ga)
Classification: Uncertain significance. Last evaluated: 2014-12-30. Review status: criteria provided, single submitter. Criteria: EGL Classification Definitions 2015. Collection method: clinical testing. Allele origin: germline. Observed: 1 variant allele, 1 heterozygote.

Clinical Genetics DNA and cytogenetics Diagnostics Lab, Erasmus MC, Erasmus Medical Center
Classification: Likely benign. Review status: no assertion criteria provided. Collection method: clinical testing. Allele origin: germline. Affected: yes. Study: VKGL Data-share Consensus. Not counted in ClinVar's aggregate classification.

Diagnostic Laboratory, Department of Genetics, University Medical Center Groningen
Classification: Likely benign. Review status: no assertion criteria provided. Collection method: clinical testing. Allele origin: germline. Affected: yes. Study: VKGL Data-share Consensus. Not counted in ClinVar's aggregate classification.

Genome Diagnostics Laboratory, University Medical Center Utrecht
Classification: Likely benign. Review status: no assertion criteria provided. Collection method: clinical testing. Allele origin: germline. Affected: yes. Study: VKGL Data-share Consensus. Not counted in ClinVar's aggregate classification.

NM_030665.4(RAI1):c.1941C>T (p.Ser647=)

Gene: RAI1 (retinoic acid induced 1; plus strand). Cytogenetic location: 17p11.2.
Variant type: single nucleotide variant.
Coding change: c.1941C>T on transcript NM_030665.4 (MANE Select); coding-DNA position 1941, C replaced by T.
Protein change: p.Ser647=; no amino-acid change (serine 647 retained).
Molecular consequence: synonymous variant.
Genome position (GRCh38, 1-based): chr17:17,794,889, C>T. VCF-style: chr17-17794889-C-T. GRCh37 (hg19) VCF-style: chr17-17698203-C-T.
Identifiers: ClinVar variation 196529 (VCV000196529.44), dbSNP rs140198185, ClinGen allele CA243507.